The following is an entry in ClinVar:

ClinVar aggregate classification (germline): Uncertain significance (1 of 4 stars; one submission).

Allele frequency attached by ClinVar (database versions not stated): gnomAD exomes below 0.00001; TOPMed below 0.00001.
gnomAD v4.1: 4 of 1,613,970 alleles (0.00025%); highest among the groups gnomAD compares: Non-Finnish European, 0.00025%; no homozygotes.

Submission:

CeGaT Center for Human Genetics Tuebingen
Classification: Uncertain significance. Last evaluated: 2023-11-01. Review status: criteria provided, single submitter. Criteria: CeGaT Center For Human Genetics Tuebingen Variant Classification Criteria Version 2. Collection method: clinical testing. Allele origin: germline. Affected: yes. Observed: 1 variant allele.
Comment: DNMT1: PM2, BP4

NM_001130823.3(DNMT1):c.2721-8T>C

Gene: DNMT1 (DNA methyltransferase 1; minus strand). Cytogenetic location: 19p13.2.
Variant type: single nucleotide variant.
Coding change: c.2721-8T>C on transcript NM_001130823.3 (MANE Select); 8 bases into the intron before coding-DNA position 2721, T replaced by C.
Molecular consequence: intron variant.
Genome position (GRCh38, 1-based): chr19:10,146,532, A>G on the plus strand (T>C on the coding strand, the complement: DNMT1 is on the minus strand). VCF-style: chr19-10146532-A-G. GRCh37 (hg19) VCF-style: chr19-10257208-A-G.
Other names: c.2358-8T>C (NM_001318731.2); c.2673-8T>C (NM_001379.4, NM_001318730.2).
Identifiers: ClinVar variation 2672744 (VCV002672744.23), dbSNP rs2038207511, ClinGen allele CA2322285630.